The following is an entry in ClinVar:

NM_058216.3(RAD51C):c.145+5_145+7delinsG

Genes: RAD51C (RAD51 paralog C; plus strand), LOC130061310 (ATAC-STARR-seq lymphoblastoid active region 12491; plus strand). Cytogenetic location: 17q22.
Variant type: Indel.
Coding change: c.145+5_145+7delinsG on transcript NM_058216.3 (MANE Select); bases 5 to 7 of the intron after coding-DNA position 145, CGA replaced by G.
Molecular consequence: intron variant.
Genome position (GRCh38, 1-based): chr17:58,692,793-58,692,795, CGA replaced by G. VCF-style: chr17-58692793-CGA-G. GRCh37 (hg19) VCF-style: chr17-56770154-CGA-G.
Other names: c.145+5_145+7delinsG (NM_002876.4).
Identifiers: ClinVar variation 927263 (VCV000927263.3), dbSNP rs2047820619, ClinGen allele CA1139665724.

ClinVar aggregate classification (germline): Uncertain significance (1 of 4 stars; one submission).

Conditions:
Hereditary cancer-predisposing syndrome. Also called: Neoplastic Syndromes, Hereditary; Hereditary Cancer Syndrome; Tumor predisposition; Hereditary neoplastic syndrome. Identifiers: Orphanet 140162, MedGen C0027672, MeSH D009386, MONDO:0015356.

Submission:

Color Diagnostics, LLC DBA Color Health
Classification: Uncertain significance for Hereditary cancer-predisposing syndrome. Last evaluated: 2020-02-21. Review status: criteria provided, single submitter. Criteria: ACMG Guidelines, 2015. Collection method: clinical testing. Allele origin: germline.
Comment: This variant replaces three consecutive nucleotides from +5 through +7 position in intron 1 of the RAD51C gene with c.G nucleotide. To our knowledge, functional studies have not been reported for this variant. This variant has not been reported in individuals affected with hereditary cancer in the literature. This variant has not been identified in the general population by the Genome Aggregation Database (gnomAD). The available evidence is insufficient to determine the role of this variant in disease conclusively. Therefore, this variant is classified as a Variant of Uncertain Significance.